The following is an entry in ClinVar:

ClinVar aggregate classification (germline): Uncertain significance. Review status: criteria provided, multiple submitters, no conflicts (2 of 4 stars). 6 submissions from 6 submitters: Uncertain significance (5). 1 of the submissions does not count toward it. Last evaluated 2026-04-02.

Conditions:
Usher syndrome type 1 (USH1). Also called: RETINITIS PIGMENTOSA AND CONGENITAL DEAFNESS. Identifiers: Orphanet 231169, Orphanet 886, MedGen C1568247, MONDO:0010168, OMIM 276900.
Usher syndrome type 1B (USH1B). Also called: Usher syndrome type IB. Identifiers: MedGen C1848638, MONDO:0700087.

Allele frequency attached by ClinVar (database versions not stated): TOPMed 0.00002; ExAC 0.00003; gnomAD exomes 0.00003 and 0.00004; gnomAD 0.00005; ESP Exome Variant Server 0.00008.
gnomAD v4.1: 49 of 1,613,532 alleles (0.003%); highest among the groups gnomAD compares: Admixed American, 0.0067%; no homozygotes.

Submissions (6):

Myriad Genetics, Inc.
Classification: Uncertain significance for Usher syndrome type 1. Last evaluated: 2026-04-02. Review status: criteria provided, single submitter. Criteria: Myriad Autosomal Dominant, Autosomal Recessive and X-Linked Classification Criteria (2023). Collection method: clinical testing. Allele origin: unknown.
Comment: NM_000260.3(MYO7A):c.4735G>A(E1579K) is a missense variant classified as a variant of uncertain significance in the context of MYO7A-related disorders. E1579K has not been observed in cases with relevant disease. Relevant functional assessments of this variant are not available in the literature. E1579K has been observed in referenced population frequency databases. In summary, there is insufficient evidence to classify NM_000260.3(MYO7A):c.4735G>A(E1579K) as pathogenic or benign. Please note: this variant was assessed in the context of healthy population screening.

GeneDx
Classification: Uncertain significance. Last evaluated: 2025-10-22. Review status: criteria provided, single submitter. Criteria: GeneDx Variant Classification Process June 2021. Collection method: clinical testing. Allele origin: germline.
Comment: In silico analysis supports that this missense variant has a deleterious effect on protein structure/function; Has not been previously published as pathogenic or benign to our knowledge; This variant is associated with the following publications: (PMID: 37115922)

Labcorp Genetics (formerly Invitae), Labcorp
Classification: Uncertain significance. Last evaluated: 2025-09-24. Review status: criteria provided, single submitter. Criteria: Invitae Variant Classification Sherloc (09022015). Collection method: clinical testing. Allele origin: germline.
Comment: This sequence change replaces glutamic acid, which is acidic and polar, with lysine, which is basic and polar, at codon 1579 of the MYO7A protein (p.Glu1579Lys). This variant is present in population databases (rs374766654, gnomAD 0.01%). This variant has not been reported in the literature in individuals affected with MYO7A-related conditions. ClinVar contains an entry for this variant (Variation ID: 504648). Invitae Evidence Modeling of protein sequence and biophysical properties (such as structural, functional, and spatial information, amino acid conservation, physicochemical variation, residue mobility, and thermodynamic stability) indicates that this missense variant is not expected to disrupt MYO7A protein function with a negative predictive value of 95%. In summary, the available evidence is currently insufficient to determine the role of this variant in disease. Therefore, it has been classified as a Variant of Uncertain Significance.

Blueprint Genetics
Classification: Uncertain significance. Last evaluated: 2022-05-06. Review status: criteria provided, single submitter. Criteria: ACMG Guidelines, 2015. Collection method: clinical testing. Allele origin: germline.

Laboratory for Molecular Medicine, Mass General Brigham Personalized Medicine
Classification: Uncertain significance. Last evaluated: 2017-12-21. Review status: criteria provided, single submitter. Criteria: LMM Criteria. Collection method: clinical testing. Allele origin: germline. Inheritance: Autosomal recessive inheritance. Observed: 1 variant allele.
Comment: The p.Glu1579Lys variant in MYO7A has not been previously reported in individual s with hearing loss or Usher syndrome, but has been identified in 8/ 126284 of E uropean chromosomes and 5/ 34374 of Latino chromosomes by the Genome Aggregation Database (gnomAD; dbSNP rs374766654). Althoug h this variant has been seen in the general population, its frequency is not hig h enough to rule out a pathogenic role. Computational prediction tools and conse rvation analyses do not provide strong support for or against an impact to the p rotein. In summary, the clinical significance of the p.Glu1579Lys variant is un certain. ACMG/AMP Criteria applied: None.

Natera, Inc.
Classification: Uncertain significance for Usher syndrome type 1B. Last evaluated: 2019-11-11. Review status: no assertion criteria provided. Collection method: clinical testing. Allele origin: germline. Not counted in ClinVar's aggregate classification.

NM_000260.4(MYO7A):c.4735G>A (p.Glu1579Lys)

Gene: MYO7A (myosin VIIA; plus strand). Cytogenetic location: 11q13.5.
Variant type: single nucleotide variant.
Coding change: c.4735G>A on transcript NM_000260.4 (MANE Select); coding-DNA position 4735, G replaced by A.
Protein change: p.Glu1579Lys; replaces glutamic acid 1579 with lysine.
Molecular consequence: missense variant.
Genome position (GRCh38, 1-based): chr11:77,199,701, G>A. VCF-style: chr11-77199701-G-A. GRCh37 (hg19) VCF-style: chr11-76910746-G-A.
Other names: c.4621G>A, p.Glu1541Lys (NM_001127180.2); c.4588G>A, p.Glu1530Lys (NM_001369365.1); short protein forms E1579K, E1530K, E1541K.
Identifiers: ClinVar variation 504648 (VCV000504648.12), dbSNP rs374766654, ClinGen allele CA6198533.
Genomic context (GRCh38, chr11:77,199,701, plus strand): 5'-TCCTGCAGGGGAGCGAAAACGACGGCCCCCAGCTTCACGCTGGCCACCATCAAGGGGGAC[G>A]AATACACCTTCACCTCCAGCAATGCTGAGGACATTCGTGACCTGGTGGTCACCTTCCTAG-3'
Protein context (NP_000251.3, residues 1569-1589): SFTLATIKGD[Glu1579Lys]YTFTSSNAED